The following is an entry in ClinVar:

ClinVar aggregate classification (germline): Uncertain significance (1 of 4 stars; one submission).

Conditions:
Inborn genetic diseases. Identifiers: MedGen C0950123, MeSH D030342.

gnomAD v4.1: 2 of 1,613,750 alleles (0.00012%); highest among the groups gnomAD compares: Admixed American, 0.0033%; no homozygotes.

Submissions (2):

Ambry Genetics
Classification: Uncertain significance for Inborn genetic diseases. Last evaluated: 2025-03-02. Review status: criteria provided, single submitter. Criteria: Ambry Variant Classification Scheme 2023. Collection method: clinical testing. Allele origin: germline.
Comment: The p.W725L variant (also known as c.2174G>T), located in coding exon 1 of the SAMD9L gene, results from a G to T substitution at nucleotide position 2174. The tryptophan at codon 725 is replaced by leucine, an amino acid with similar properties. This amino acid position is conserved. In addition, this alteration is predicted to be tolerated by in silico analysis. Based on the available evidence, the clinical significance of this variant remains unclear.

Dr. Peter K. Rogan Lab, Western University
No classification provided (evidence only). Condition: Malignant tumor of urinary bladder. Review status: no classification provided. Collection method: in vitro. Allele origin: not applicable. Functional consequence: retained intron. Not counted in ClinVar's aggregate classification.

NM_152703.5(SAMD9L):c.2174G>T (p.Trp725Leu)

Gene: SAMD9L (sterile alpha motif domain containing 9 like; minus strand). Cytogenetic location: 7q21.2.
Variant type: single nucleotide variant.
Coding change: c.2174G>T on transcript NM_152703.5 (MANE Select); coding-DNA position 2174, G replaced by T.
Protein change: p.Trp725Leu; replaces tryptophan 725 with leucine.
Molecular consequence: missense variant.
Genome position (GRCh38, 1-based): chr7:93,133,798, C>A on the plus strand (G>T on the coding strand, the complement: SAMD9L is on the minus strand). VCF-style: chr7-93133798-C-A. GRCh37 (hg19) VCF-style: chr7-92763111-C-A.
Other names: NC_000007.13:g.92763111C>A; c.2174G>T, p.Trp725Leu (NM_001303496.3, NM_001303497.3, NM_001303498.3 and 5 more transcripts); short protein forms W725L.
Identifiers: ClinVar variation 3792478 (VCV003792478.2).